The following is an entry in ClinVar:

ClinVar aggregate classification (germline): Likely pathogenic (1 of 4 stars; one submission).

Conditions:
Sphingomyelin/cholesterol lipidosis. Also called: Niemann-Pick disease. Identifiers: MedGen C0028064, MONDO:0001982.

Submission:

Dubai Health Genomic Medicine Center, Dubai Health
Classification: Likely pathogenic for Niemann-Pick disease. Last evaluated: 2024-10-04. Review status: criteria provided, single submitter. Criteria: ACMG Guidelines, 2015. Collection method: research. Allele origin: germline. Affected: yes.
Comment: PVS1,PM2

NM_000543.5(SMPD1):c.762del (p.Pro255_Leu256insTer)

Gene: SMPD1 (sphingomyelin phosphodiesterase 1; plus strand). Cytogenetic location: 11p15.4.
Variant type: Deletion.
Coding change: c.762del on transcript NM_000543.5 (MANE Select); coding-DNA position 762, one base deleted (G; older notation c.762delG).
Protein change: p.Pro255_Leu256insTer.
Molecular consequence: frameshift variant. On other transcripts: 5 prime UTR variant (1), non-coding transcript variant (1).
Genome position (GRCh38, 1-based): chr11:6,391,827, G deleted. VCF-style (leftmost placement, unchanged base first): chr11-6391826-TG-T. GRCh37 (hg19) VCF-style: chr11-6413056-TG-T.
Other names: c.759del, p.Pro254_Leu255insTer (NM_001007593.3); c.762del, p.Pro255_Leu256insTer (NM_001318087.2, NM_001365135.2); c.-200del (NM_001318088.2).
Identifiers: ClinVar variation 3383978 (VCV003383978.1).